The following is an entry in ClinVar:

NM_001267550.2(TTN):c.106662G>A (p.Glu35554=)

Genes: TTN (titin; minus strand), TTN-AS1 (TTN antisense RNA 1; plus strand). Cytogenetic location: 2q31.2.
Variant type: single nucleotide variant.
Coding change: c.106662G>A on transcript NM_001267550.2 (MANE Select); coding-DNA position 106662, G replaced by A.
Protein change: p.Glu35554=; no amino-acid change (glutamic acid 35554 retained).
Molecular consequence: synonymous variant.
Genome position (GRCh38, 1-based): chr2:178,529,089, C>T on the plus strand (G>A on the coding strand, the complement: TTN is on the minus strand). VCF-style: chr2-178529089-C-T. GRCh37 (hg19) VCF-style: chr2-179393816-C-T.
Other names: c.101739G>A, p.Glu33913= (NM_001256850.1); c.79467G>A, p.Glu26489= (NM_003319.4); c.98958G>A, p.Glu32986= (NM_133378.4); c.79842G>A, p.Glu26614= (NM_133432.3); c.80043G>A, p.Glu26681= (NM_133437.4).
Identifiers: ClinVar variation 626640 (VCV000626640.12), dbSNP rs753862749, ClinGen allele CA1985062.

ClinVar aggregate classification (germline): Conflicting classifications of pathogenicity. Review status: criteria provided, conflicting classifications (1 of 4 stars). 4 submissions from 4 submitters: Uncertain significance (1); Likely benign (3). Last evaluated 2026-04-01.

Conditions:
Cardiomyopathy (CMYO). Also called: Cardiomyopathies. Identifiers: Orphanet 167848, MedGen C0878544, MONDO:0004994, HP:0001638. Inheritance: Various modes of inheritance.
Autosomal recessive limb-girdle muscular dystrophy type 2J (LGMDR10). Also called: MUSCULAR DYSTROPHY, LIMB-GIRDLE, AUTOSOMAL RECESSIVE 10; Limb-girdle muscular dystrophy, type 2J. Identifiers: Orphanet 140922, MedGen C1837342, MONDO:0012127, OMIM 608807.
Dilated cardiomyopathy 1G (CMD1G). Identifiers: Orphanet 154, MedGen C1858763, MONDO:0011400, OMIM 604145.

Allele frequency attached by ClinVar (database versions not stated): gnomAD exomes below 0.00001; TOPMed below 0.00001; ExAC 0.00001; gnomAD 0.00003.
gnomAD v4.1: 2 of 1,612,564 alleles (0.00012%); highest among the groups gnomAD compares: Non-Finnish European, 0.00017%; no homozygotes.

Submissions (4):

CeGaT Center for Human Genetics Tuebingen
Classification: Likely benign. Last evaluated: 2026-04-01. Review status: criteria provided, single submitter. Criteria: CeGaT Center For Human Genetics Tuebingen Variant Classification Criteria Version 2. Collection method: clinical testing. Allele origin: germline. Affected: yes. Observed: 1 variant allele.
Comment: TTN: BP4, BP7

Labcorp Genetics (formerly Invitae), Labcorp
Classification: Likely benign for Dilated cardiomyopathy 1G; Autosomal recessive limb-girdle muscular dystrophy type 2J. Last evaluated: 2024-12-30. Review status: criteria provided, single submitter. Criteria: Invitae Variant Classification Sherloc (09022015). Collection method: clinical testing. Allele origin: germline.

Women's Health and Genetics/Laboratory Corporation of America, LabCorp
Classification: Likely benign. Last evaluated: 2023-05-22. Review status: criteria provided, single submitter. Criteria: LabCorp Variant Classification Summary - May 2015. Collection method: clinical testing. Allele origin: germline.

CHEO Genetics Diagnostic Laboratory, Children's Hospital of Eastern Ontario
Classification: Uncertain significance for Cardiomyopathy. Last evaluated: 2016-01-28. Review status: criteria provided, single submitter. Criteria: ACMG Guidelines, 2015. Collection method: clinical testing. Allele origin: germline. Study: Canadian Open Genetics Repository.